The following is an entry in ClinVar:

ClinVar aggregate classification (germline): Uncertain significance. Review status: criteria provided, multiple submitters, no conflicts (2 of 4 stars). 2 submissions from 2 submitters: Uncertain significance (2). Last evaluated 2024-05-14.

Conditions:
Hypertrophic cardiomyopathy. Also called: HYPERTROPHIC MYOCARDIOPATHY. Identifiers: Orphanet 217569, MedGen C0007194, MeSH D002312, MONDO:0005045, HP:0001639.
Lethal congenital glycogen storage disease of heart. Also called: PHOSPHORYLASE KINASE DEFICIENCY OF HEART; GLYCOGEN STORAGE DISEASE OF HEART. Identifiers: Orphanet 439854, MedGen C1849813, MONDO:0009867, OMIM 261740.

Submissions (2):

All of Us Research Program, National Institutes of Health
Classification: Uncertain significance for Hypertrophic cardiomyopathy. Last evaluated: 2024-05-14. Review status: criteria provided, single submitter. Criteria: ACMG Guidelines, 2015. Collection method: clinical testing. Allele origin: germline. Inheritance: Autosomal dominant inheritance. Observed: 1 variant allele, 1 heterozygote.
Comment: This missense variant replaces arginine with glycine at codon 79 of the PRKAG2 protein. Computational prediction tools indicate that this variant has a neutral impact on protein structure and function. To our knowledge, functional studies have not been reported for this variant. This variant has been reported in one individual affected with hypertrophic cardiomyopathy who also carried a pathogenic truncation variant in the MYBPC3 gene (PMID: 30847666). This variant has not been identified in the general population by the Genome Aggregation Database (gnomAD). The available evidence is insufficient to determine the role of this variant in disease conclusively. Therefore, this variant is classified as a Variant of Uncertain Significance.

This study involves interpretation of variants in research participants for the purpose of population health screening. Participant phenotype was not available at the time of variant classification. Additional details can be found in publication PMID: 35346344, PMCID: PMC8962531

Labcorp Genetics (formerly Invitae), Labcorp
Classification: Uncertain significance for Lethal congenital glycogen storage disease of heart. Last evaluated: 2022-03-08. Review status: criteria provided, single submitter. Criteria: Invitae Variant Classification Sherloc (09022015). Collection method: clinical testing. Allele origin: germline.
Comment: This sequence change replaces arginine, which is basic and polar, with glycine, which is neutral and non-polar, at codon 79 of the PRKAG2 protein (p.Arg79Gly). Advanced modeling of protein sequence and biophysical properties (such as structural, functional, and spatial information, amino acid conservation, physicochemical variation, residue mobility, and thermodynamic stability) performed at Invitae indicates that this missense variant is not expected to disrupt PRKAG2 protein function. This variant has not been reported in the literature in individuals affected with PRKAG2-related conditions. This variant is not present in population databases (gnomAD no frequency). In summary, the available evidence is currently insufficient to determine the role of this variant in disease. Therefore, it has been classified as a Variant of Uncertain Significance.

Literature cited by the submitters: PubMed 30847666 (cited by All of Us Research Program, National Institutes of Health).

NM_016203.4(PRKAG2):c.235A>G (p.Arg79Gly)

Gene: PRKAG2 (protein kinase AMP-activated non-catalytic subunit gamma 2; minus strand). Cytogenetic location: 7q36.1.
Variant type: single nucleotide variant.
Coding change: c.235A>G on transcript NM_016203.4 (MANE Select); coding-DNA position 235, A replaced by G.
Protein change: p.Arg79Gly; replaces arginine 79 with glycine.
Molecular consequence: missense variant.
Genome position (GRCh38, 1-based): chr7:151,781,383, T>C on the plus strand (A>G on the coding strand, the complement: PRKAG2 is on the minus strand). VCF-style: chr7-151781383-T-C. GRCh37 (hg19) VCF-style: chr7-151478469-T-C.
Other names: c.103A>G, p.Arg35Gly (NM_001040633.2, NM_001407024.1, NM_001407026.1 and 2 more transcripts); c.235A>G, p.Arg79Gly (NM_001407021.1, NM_001407022.1, NM_001407023.1 and 2 more transcripts); short protein forms R79G, R35G.
Identifiers: ClinVar variation 2171367 (VCV002171367.5), dbSNP rs2537923459, ClinGen allele CA370069853.